The following is an entry in ClinVar:

ClinVar aggregate classification (germline): Uncertain significance (1 of 4 stars; one submission).

Conditions:
Familial thoracic aortic aneurysm and aortic dissection (TAAD). Also called: Thoracic aortic aneurysms and dissections. Identifiers: Orphanet 91387, MedGen C4707243, MONDO:0019625.

Submission:

Labcorp Genetics (formerly Invitae), Labcorp
Classification: Uncertain significance for Familial thoracic aortic aneurysm and aortic dissection. Last evaluated: 2024-01-16. Review status: criteria provided, single submitter. Criteria: Invitae Variant Classification Sherloc (09022015). Collection method: clinical testing. Allele origin: germline.
Comment: This sequence change falls in intron 1 of the TGFBR1 gene. It does not directly change the encoded amino acid sequence of the TGFBR1 protein. The frequency data for this variant in the population databases is considered unreliable, as metrics indicate insufficient coverage at this position in the gnomAD database. This variant has not been reported in the literature in individuals affected with TGFBR1-related conditions. Experimental studies and prediction algorithms are not available or were not evaluated, and the effect of this variant on mRNA splicing is currently unknown. In summary, the available evidence is currently insufficient to determine the role of this variant in disease. Therefore, it has been classified as a Variant of Uncertain Significance.

NM_004612.4(TGFBR1):c.70_97+13dup

Gene: TGFBR1 (transforming growth factor beta receptor 1; plus strand). Cytogenetic location: 9q22.33.
Variant type: Duplication.
Coding change: c.70_97+13dup on transcript NM_004612.4 (MANE Select); coding-DNA position 70 through 13 bases into the intron after coding-DNA position 97, 41 bases duplicated.
Molecular consequence: splice donor variant. On other transcripts: intron variant (8).
Genome position (GRCh38, 1-based): chr9:99,105,275-99,105,315, 41 bases duplicated; duplicating any 41 consecutive bases within chr9:99,105,266-99,105,315 gives the same sequence; the c. name uses the placement nearest the transcript's 3' end. GRCh37 (hg19): chr9:101,867,557-101,867,597.
Other names: c.-111+1534_-111+1574dup (NM_001407418.1, NM_001407423.1); c.-111+1169_-111+1209dup (NM_001407424.1); c.-111+756_-111+796dup (NM_001407425.1); c.-111+549_-111+589dup (NM_001407434.1); c.-247+150_-247+190dup (NM_001407432.1); c.-111+150_-111+190dup (NM_001407419.1, NM_001407433.1); c.-243_-216+13dup (NM_001407422.1, NM_001407426.1); c.-198_-171+13dup (NM_001407428.1); and 2 more.
Identifiers: ClinVar variation 2965409 (VCV002965409.3), dbSNP rs2490933258, ClinGen allele CA2740095542.